The following is an entry in ClinVar:

ClinVar aggregate classification (germline): Likely benign. Review status: criteria provided, multiple submitters, no conflicts (2 of 4 stars). 2 submissions from 2 submitters: Likely benign (2). Last evaluated 2026-04-01.

Conditions:
Epilepsy, X-linked 1, with variable learning disabilities and behavior disorders. Also called: X-linked epilepsy-learning disabilities-behavior disorders syndrome. Identifiers: Orphanet 85294, MedGen C5774177, MONDO:0010339, OMIM 300491.

Submissions (2):

CeGaT Center for Human Genetics Tuebingen
Classification: Likely benign. Last evaluated: 2026-04-01. Review status: criteria provided, single submitter. Criteria: CeGaT Center For Human Genetics Tuebingen Variant Classification Criteria Version 2. Collection method: clinical testing. Allele origin: germline. Affected: yes. Observed: 1 variant allele.
Comment: SYN1: BP4, BP7

Labcorp Genetics (formerly Invitae), Labcorp
Classification: Likely benign for Epilepsy, X-linked 1, with variable learning disabilities and behavior disorders. Last evaluated: 2023-07-07. Review status: criteria provided, single submitter. Criteria: Invitae Variant Classification Sherloc (09022015). Collection method: clinical testing. Allele origin: germline.

NM_006950.3(SYN1):c.1557G>A (p.Ala519=)

Gene: SYN1 (synapsin I; minus strand). Cytogenetic location: Xp11.3.
Variant type: single nucleotide variant.
Coding change: c.1557G>A on transcript NM_006950.3 (MANE Select); coding-DNA position 1557, G replaced by A.
Protein change: p.Ala519=; no amino-acid change (alanine 519 retained).
Molecular consequence: synonymous variant.
Genome position (GRCh38, 1-based): chrX:47,574,427, C>T on the plus strand (G>A on the coding strand, the complement: SYN1 is on the minus strand). VCF-style: chrX-47574427-C-T. GRCh37 (hg19) VCF-style: chrX-47433826-C-T.
Other names: c.1557G>A, p.Ala519= (NM_133499.2).
Identifiers: ClinVar variation 3012614 (VCV003012614.5), dbSNP rs940732191, ClinGen allele CA329057336.